The following is an entry in ClinVar:

ClinVar aggregate classification (germline): Uncertain significance (1 of 4 stars; one submission).

Conditions:
Atrial fibrillation, familial, 7 (ATFB7). Identifiers: MedGen C2677106, MONDO:0012828, OMIM 612240.

Allele frequency attached by ClinVar (database versions not stated): gnomAD exomes below 0.00001; ExAC 0.00001.
gnomAD v4.1: 4 of 1,614,186 alleles (0.00025%); highest among the groups gnomAD compares: Non-Finnish European, 0.00034%; no homozygotes.

Submission:

Labcorp Genetics (formerly Invitae), Labcorp
Classification: Uncertain significance for Atrial fibrillation, familial, 7. Last evaluated: 2021-08-29. Review status: criteria provided, single submitter. Criteria: Invitae Variant Classification Sherloc (09022015). Collection method: clinical testing. Allele origin: germline.
Comment: Algorithms developed to predict the effect of missense changes on protein structure and function are either unavailable or do not agree on the potential impact of this missense change (SIFT: "Deleterious"; PolyPhen-2: "Probably Damaging"; Align-GVGD: "Class C0"). In summary, the available evidence is currently insufficient to determine the role of this variant in disease. Therefore, it has been classified as a Variant of Uncertain Significance. This sequence change replaces glycine with valine at codon 218 of the KCNA5 protein (p.Gly218Val). The glycine residue is highly conserved and there is a moderate physicochemical difference between glycine and valine. This variant is present in population databases (rs754229184, ExAC 0.002%). This variant has not been reported in the literature in individuals affected with KCNA5-related conditions.

NM_002234.4(KCNA5):c.653G>T (p.Gly218Val)

Gene: KCNA5 (potassium voltage-gated channel subfamily A member 5; plus strand). Cytogenetic location: 12p13.32.
Variant type: single nucleotide variant.
Coding change: c.653G>T on transcript NM_002234.4 (MANE Select); coding-DNA position 653, G replaced by T.
Protein change: p.Gly218Val; replaces glycine 218 with valine.
Molecular consequence: missense variant.
Genome position (GRCh38, 1-based): chr12:5,044,800, G>T. VCF-style: chr12-5044800-G-T. GRCh37 (hg19) VCF-style: chr12-5153966-G-T.
Other names: short protein forms G218V.
Identifiers: ClinVar variation 1437898 (VCV001437898.6), dbSNP rs754229184, ClinGen allele CA6399688.